The following is an entry in ClinVar:

ClinVar aggregate classification (germline): Uncertain significance (1 of 4 stars; one submission).

Submission:

Labcorp Genetics (formerly Invitae), Labcorp
Classification: Uncertain significance. Last evaluated: 2023-11-19. Review status: criteria provided, single submitter. Criteria: Invitae Variant Classification Sherloc (09022015). Collection method: clinical testing. Allele origin: germline.
Comment: This sequence change replaces alanine, which is neutral and non-polar, with proline, which is neutral and non-polar, at codon 62 of the NR2F1 protein (p.Ala62Pro). This variant is not present in population databases (gnomAD no frequency). This variant has not been reported in the literature in individuals affected with NR2F1-related conditions. Advanced modeling of protein sequence and biophysical properties (such as structural, functional, and spatial information, amino acid conservation, physicochemical variation, residue mobility, and thermodynamic stability) performed at Invitae indicates that this missense variant is not expected to disrupt NR2F1 protein function with a negative predictive value of 95%. In summary, the available evidence is currently insufficient to determine the role of this variant in disease. Therefore, it has been classified as a Variant of Uncertain Significance.

NM_005654.6(NR2F1):c.184G>C (p.Ala62Pro)

Genes: NR2F1 (nuclear receptor subfamily 2 group F member 1; plus strand), NR2F1-AS1 (NR2F1 regulatory antisense RNA 1; minus strand). Cytogenetic location: 5q15.
Variant type: single nucleotide variant.
Coding change: c.184G>C on transcript NM_005654.6 (MANE Select); coding-DNA position 184, G replaced by C.
Protein change: p.Ala62Pro; replaces alanine 62 with proline.
Molecular consequence: missense variant.
Genome position (GRCh38, 1-based): chr5:93,585,207, G>C. VCF-style: chr5-93585207-G-C. GRCh37 (hg19) VCF-style: chr5-92920913-G-C.
Other names: short protein forms A62P.
Identifiers: ClinVar variation 2796457 (VCV002796457.3), dbSNP rs1167463104, ClinGen allele CA360525704.